The following is an entry in ClinVar:

ClinVar aggregate classification (germline): Uncertain significance. Review status: criteria provided, multiple submitters, no conflicts (2 of 4 stars). 4 submissions from 4 submitters: Uncertain significance (4). Last evaluated 2025-07-30.

Conditions:
Familial adenomatous polyposis 1 (FAP1). Also called: POLYPOSIS, ADENOMATOUS INTESTINAL; FAMILIAL ADENOMATOUS POLYPOSIS 1, ATTENUATED. Identifiers: MedGen C2713442, MONDO:0021056, OMIM 175100. Disease mechanism: loss of function.
Hereditary cancer-predisposing syndrome. Also called: Neoplastic Syndromes, Hereditary; Hereditary Cancer Syndrome; Tumor predisposition; Hereditary neoplastic syndrome. Identifiers: Orphanet 140162, MedGen C0027672, MeSH D009386, MONDO:0015356.

Allele frequency attached by ClinVar (database versions not stated): TOPMed below 0.00001; gnomAD 0.00001.
gnomAD v4.1: 1 of 1,613,420 alleles (0.000062%); highest among the groups gnomAD compares: Non-Finnish European, 0.000085%; no homozygotes.

Submissions (4):

Labcorp Genetics (formerly Invitae), Labcorp
Classification: Uncertain significance for Familial adenomatous polyposis 1. Last evaluated: 2025-07-30. Review status: criteria provided, single submitter. Criteria: Invitae Variant Classification Sherloc (09022015). Collection method: clinical testing. Allele origin: germline.
Comment: This sequence change replaces cysteine, which is neutral and slightly polar, with tyrosine, which is neutral and polar, at codon 1962 of the APC protein (p.Cys1962Tyr). This variant is not present in population databases (gnomAD no frequency). This variant has not been reported in the literature in individuals affected with APC-related conditions. ClinVar contains an entry for this variant (Variation ID: 574096). Invitae Evidence Modeling of protein sequence and biophysical properties (such as structural, functional, and spatial information, amino acid conservation, physicochemical variation, residue mobility, and thermodynamic stability) indicates that this missense variant is not expected to disrupt APC protein function with a negative predictive value of 95%. In summary, the available evidence is currently insufficient to determine the role of this variant in disease. Therefore, it has been classified as a Variant of Uncertain Significance.

Ambry Genetics
Classification: Uncertain significance for Hereditary cancer-predisposing syndrome. Last evaluated: 2024-05-29. Review status: criteria provided, single submitter. Criteria: Ambry Variant Classification Scheme 2023. Collection method: clinical testing. Allele origin: germline.
Comment: The p.C1962Y variant (also known as c.5885G>A), located in coding exon 15 of the APC gene, results from a G to A substitution at nucleotide position 5885. The cysteine at codon 1962 is replaced by tyrosine, an amino acid with highly dissimilar properties. This amino acid position is highly conserved in available vertebrate species. In addition, in silico predictors for this gene do not accurately predict pathogenicity. Since supporting evidence is limited at this time, the clinical significance of this alteration remains unclear.

GeneDx
Classification: Uncertain significance. Last evaluated: 2024-03-28. Review status: criteria provided, single submitter. Criteria: GeneDx Variant Classification Process June 2021. Collection method: clinical testing. Allele origin: germline. Affected: yes.
Comment: Not observed at significant frequency in large population cohorts (gnomAD); In silico analysis supports that this missense variant has a deleterious effect on protein structure/function; Has not been previously published as pathogenic or benign to our knowledge; This variant is associated with the following publications: (PMID: 18199528)

Baylor Genetics
Classification: Uncertain significance for Familial adenomatous polyposis 1. Last evaluated: 2023-11-23. Review status: criteria provided, single submitter. Criteria: ACMG Guidelines, 2015. Collection method: clinical testing. Allele origin: unknown.

NM_000038.6(APC):c.5885G>A (p.Cys1962Tyr)

Gene: APC (APC regulator of Wnt signaling pathway; plus strand). Cytogenetic location: 5q22.2.
Variant type: single nucleotide variant.
Coding change: c.5885G>A on transcript NM_000038.6 (MANE Select); coding-DNA position 5885, G replaced by A.
Protein change: p.Cys1962Tyr; replaces cysteine 1962 with tyrosine.
Molecular consequence: missense variant.
Genome position (GRCh38, 1-based): chr5:112,841,479, G>A. VCF-style: chr5-112841479-G-A. GRCh37 (hg19) VCF-style: chr5-112177176-G-A.
Other names: c.5885G>A, p.Cys1962Tyr (NM_001127510.3, NM_001354895.2); c.5831G>A, p.Cys1944Tyr (NM_001127511.3); c.5939G>A, p.Cys1980Tyr (NM_001354896.2); c.5915G>A, p.Cys1972Tyr (NM_001354897.2); c.5810G>A, p.Cys1937Tyr (NM_001354898.2); c.5801G>A, p.Cys1934Tyr (NM_001354899.2); c.5762G>A, p.Cys1921Tyr (NM_001354900.2); c.5708G>A, p.Cys1903Tyr (NM_001354901.2); and 5 more; short protein forms C1944Y, C1962Y, C1802Y, C1836Y, C1903Y, C1679Y, C1861Y, C1871Y.
Identifiers: ClinVar variation 574096 (VCV000574096.14), dbSNP rs1308792439, ClinGen allele CA16034206.